The following is an entry in ClinVar:

NM_144573.4(NEXN):c.1660-11_1660-7del

Gene: NEXN (nexilin F-actin binding protein; plus strand). Cytogenetic location: 1p31.1.
Variant type: Deletion.
Coding change: c.1660-11_1660-7del on transcript NM_144573.4 (MANE Select); 11 bases into the intron before coding-DNA position 1660 through 7 bases into the intron before coding-DNA position 1660, 5 bases deleted (TTTTA; older notation c.1660-11_1660-7delTTTTA).
Molecular consequence: intron variant.
Genome position (GRCh38, 1-based): chr1:77,942,450-77,942,454, TTTTA deleted; deleting any 5 consecutive bases within chr1:77,942,446-77,942,454 gives the same sequence; the c. name uses the placement nearest the transcript's 3' end. VCF-style (leftmost placement, unchanged base first): chr1-77942445-ATTTAT-A. GRCh37 (hg19) VCF-style: chr1-78408130-ATTTAT-A.
Other names: c.1660-11_1660-7delTTTTA (NM_144573.3); c.1468-11_1468-7del (NM_001172309.2); c.1660-11_1660-7del5 (NM_144573.3).
Identifiers: ClinVar variation 164795 (VCV000164795.10), dbSNP rs727503344, ClinGen allele CA177491.
Genomic context (GRCh38, chr1:77,942,445, plus strand): 5'-CATTTCAAAATTGTTACTAAATCGCTGCCCTGAAAATACTATAAATGCCAACCTGAATGC[ATTTAT>A]TTTAATACAGAAAAGAGAAGAGGAGGAGGAGGAAGAAGGTAGCATCATGAATGGCTCCAC-3'

ClinVar aggregate classification (germline): Conflicting classifications of pathogenicity. Review status: criteria provided, conflicting classifications (1 of 4 stars). 3 submissions from 3 submitters: Uncertain significance (1); Likely benign (2). Last evaluated 2026-01-31.

Conditions:
NEXN-related disorder. Also called: NEXN-related condition; NEXN-related disorders.
Dilated cardiomyopathy 1CC (CMD1CC). Identifiers: Orphanet 154, MedGen C2751084, MONDO:0013147, OMIM 613122.
Hypertrophic cardiomyopathy 20. Identifiers: MedGen C3151267, MONDO:0013477, OMIM 613876.

Submissions (3):

PreventionGenetics, part of Exact Sciences
Classification: Likely benign for NEXN-related condition. Last evaluated: 2026-01-31. Review status: criteria provided, single submitter. Criteria: ACMG Guidelines, 2015. Collection method: clinical testing. Allele origin: germline.
Comment: This variant is classified as likely benign based on ACMG/AMP sequence variant interpretation guidelines (Richards et al. 2015 PMID: 25741868, with internal and published modifications).

Labcorp Genetics (formerly Invitae), Labcorp
Classification: Likely benign for Dilated cardiomyopathy 1CC; Hypertrophic cardiomyopathy 20. Last evaluated: 2025-07-03. Review status: criteria provided, single submitter. Criteria: Invitae Variant Classification Sherloc (09022015). Collection method: clinical testing. Allele origin: germline.

Laboratory for Molecular Medicine, Mass General Brigham Personalized Medicine
Classification: Uncertain significance. Last evaluated: 2013-04-03. Review status: criteria provided, single submitter. Criteria: LMM Criteria. Collection method: clinical testing. Allele origin: germline. Observed: 1 variant allele.
Comment: The 1660-11_1660-7del variant in NEXN has not been reported in the literature no r previously identified by our laboratory. This variant has been identified in 2 /7824 European American chromosomes by the NHLBI Exome Sequencing Project. This variant is located in the 3' splice region. Computational tools suggest a possible impact to splicing, though this informati on is not predictive enough to determine pathogenicity. Additional information i s needed to fully assess the clinical significance of this variant.